The following is an entry in ClinVar:

NM_000458.4(HNF1B):c.1057A>G (p.Ser353Gly)

Gene: HNF1B (HNF1 homeobox B; minus strand). Cytogenetic location: 17q12.
Variant type: single nucleotide variant.
Coding change: c.1057A>G on transcript NM_000458.4 (MANE Select); coding-DNA position 1057, A replaced by G.
Protein change: p.Ser353Gly; replaces serine 353 with glycine.
Molecular consequence: missense variant.
Genome position (GRCh38, 1-based): chr17:37,710,652, T>C on the plus strand (A>G on the coding strand, the complement: HNF1B is on the minus strand). VCF-style: chr17-37710652-T-C. GRCh37 (hg19) VCF-style: chr17-36070660-T-C.
Other names: c.1057A>G (NM_000458.3); c.979A>G, p.Ser327Gly (NM_001165923.4, NM_001304286.2); short protein forms S353G, S327G.
Identifiers: ClinVar variation 593139 (VCV000593139.7), dbSNP rs753847783, ClinGen allele CA8518904.

ClinVar aggregate classification (germline): Uncertain significance/Uncertain risk allele. Review status: criteria provided, multiple submitters, no conflicts (2 of 4 stars). 3 submissions from 3 submitters: Uncertain significance (1); Uncertain risk allele (1). 1 of the submissions does not count toward it. Last evaluated 2017-07-07.

Conditions:
Maturity-onset diabetes of the young (MODY). Also called: Maturity onset diabetes mellitus in young. Identifiers: Orphanet 552, MedGen C0342276, MONDO:0018911, HP:0004904.
HNF1B-related disorder. Also called: HNF1B-related condition; HNF1B-related disorders.

Allele frequency attached by ClinVar (database versions not stated): gnomAD 0.00001; gnomAD exomes 0.00001 and 0.00002; ExAC 0.00002.
gnomAD v4.1: 12 of 1,613,792 alleles (0.00074%); highest among the groups gnomAD compares: Admixed American, 0.0017%; no homozygotes.

Submissions (3):

Eurofins Ntd Llc (ga)
Classification: Uncertain significance. Last evaluated: 2017-07-07. Review status: criteria provided, single submitter. Criteria: EGL Classification Definitions 2015. Collection method: clinical testing. Allele origin: germline. Observed: 1 variant allele, 1 heterozygote.

Clinical Genomics, Uppaluri K&H Personalized Medicine Clinic
Classification: Uncertain risk allele for Maturity-onset diabetes of the young. Review status: criteria provided, single submitter. Criteria: K & H Uppaluri Personalized Medicine Clinic Variant Classification & Assertion Criteria_Updated V.1. Collection method: research. Allele origin: unknown. Inheritance: Autosomal dominant inheritance.
Comment: HNF1B gene mutations are associated with early onset diabetes and pancreatic atrophy. It is also associated with multiple renal manifestations including renal cysts, Tubulointerstitial disease, glomerulocystic disease, renal hypoplasia, hypomagnesemia. However no sufficient evidence is found to ascertain the role of this particular variant rs753847783, yet.

PreventionGenetics, part of Exact Sciences
Classification: Uncertain significance for HNF1B-related condition. Last evaluated: 2024-03-05. Review status: no assertion criteria provided. Collection method: clinical testing. Allele origin: germline. Not counted in ClinVar's aggregate classification.
Comment: The HNF1B c.1057A>G variant is predicted to result in the amino acid substitution p.Ser353Gly. To our knowledge, this variant has not been reported in the literature. This variant is reported in 0.0035% of alleles in individuals of European (Non-Finnish) descent in gnomAD. At this time, the clinical significance of this variant is uncertain due to the absence of conclusive functional and genetic evidence.

Literature cited by the submitters: PubMed 24897035 (cited by Clinical Genomics, Uppaluri K&H Personalized Medicine Clinic); PubMed 25536396 (cited by Clinical Genomics, Uppaluri K&H Personalized Medicine Clinic); PubMed 27615128 (cited by Clinical Genomics, Uppaluri K&H Personalized Medicine Clinic); PubMed 28215227 (cited by Clinical Genomics, Uppaluri K&H Personalized Medicine Clinic); PubMed 33434175 (cited by Clinical Genomics, Uppaluri K&H Personalized Medicine Clinic); PubMed 25741167 (cited by Clinical Genomics, Uppaluri K&H Personalized Medicine Clinic); PubMed 26340261 (cited by Clinical Genomics, Uppaluri K&H Personalized Medicine Clinic); PubMed 19639018 (cited by Clinical Genomics, Uppaluri K&H Personalized Medicine Clinic).